The following is an entry in ClinVar:

ClinVar aggregate classification (germline): Uncertain significance. Review status: criteria provided, multiple submitters, no conflicts (2 of 4 stars). 2 submissions from 2 submitters: Uncertain significance (2). Last evaluated 2025-09-10.

gnomAD v4.1: 2 of 1,606,122 alleles (0.00012%); highest among the groups gnomAD compares: Non-Finnish European, 0.00017%; no homozygotes.

Submissions (2):

Ambry Genetics
Classification: Uncertain significance. Last evaluated: 2025-09-10. Review status: criteria provided, single submitter. Criteria: Ambry Variant Classification Scheme 2023. Collection method: clinical testing. Allele origin: germline.

Labcorp Genetics (formerly Invitae), Labcorp
Classification: Uncertain significance. Last evaluated: 2024-05-03. Review status: criteria provided, single submitter. Criteria: Invitae Variant Classification Sherloc (09022015). Collection method: clinical testing. Allele origin: germline.
Comment: This sequence change replaces valine, which is neutral and non-polar, with methionine, which is neutral and non-polar, at codon 218 of the RECQL protein (p.Val218Met). This variant is not present in population databases (gnomAD no frequency). This variant has not been reported in the literature in individuals affected with RECQL-related conditions. Advanced modeling of protein sequence and biophysical properties (such as structural, functional, and spatial information, amino acid conservation, physicochemical variation, residue mobility, and thermodynamic stability) performed at Invitae indicates that this missense variant is expected to disrupt RECQL protein function with a positive predictive value of 80%. In summary, the available evidence is currently insufficient to determine the role of this variant in disease. Therefore, it has been classified as a Variant of Uncertain Significance.

NM_002907.4(RECQL):c.652G>A (p.Val218Met)

Gene: RECQL (RecQ like helicase; minus strand). Cytogenetic location: 12p12.1.
Variant type: single nucleotide variant.
Coding change: c.652G>A on transcript NM_002907.4 (MANE Select); coding-DNA position 652, G replaced by A.
Protein change: p.Val218Met; replaces valine 218 with methionine.
Molecular consequence: missense variant.
Genome position (GRCh38, 1-based): chr12:21,483,424, C>T on the plus strand (G>A on the coding strand, the complement: RECQL is on the minus strand). VCF-style: chr12-21483424-C-T. GRCh37 (hg19) VCF-style: chr12-21636358-C-T.
Other names: c.652G>A, p.Val218Met (NM_032941.3); short protein forms V218M.
Identifiers: ClinVar variation 3313482 (VCV003313482.4).